The following is an entry in ClinVar:

NM_014481.4(APEX2):c.1408G>A (p.Gly470Arg)

Gene: APEX2 (apurinic/apyrimidinic endodeoxyribonuclease 2; plus strand). Cytogenetic location: Xp11.21.
Variant type: single nucleotide variant.
Coding change: c.1408G>A on transcript NM_014481.4 (MANE Select); coding-DNA position 1408, G replaced by A.
Protein change: p.Gly470Arg; replaces glycine 470 with arginine.
Molecular consequence: missense variant.
Genome position (GRCh38, 1-based): chrX:55,007,286, G>A. VCF-style: chrX-55007286-G-A. GRCh37 (hg19) VCF-style: chrX-55033719-G-A.
Other names: c.895G>A, p.Gly299Arg (NM_001271748.2); c.1408G>A (NM_014481.2); short protein forms G299R, G470R.
Identifiers: ClinVar variation 2660689 (VCV002660689.25), dbSNP rs139641675, ClinGen allele CA10428195.

ClinVar aggregate classification (germline): Conflicting classifications of pathogenicity. Review status: criteria provided, conflicting classifications (1 of 4 stars). 2 submissions from 2 submitters: Uncertain significance (1); Likely benign (1). Last evaluated 2024-10-07.

Allele frequency attached by ClinVar (database versions not stated): ExAC 0.00004; gnomAD exomes 0.00008; ESP Exome Variant Server 0.00009.
gnomAD v4.1: 89 of 1,210,506 alleles (0.0074%); highest among the groups gnomAD compares: Non-Finnish European, 0.0094%; no homozygotes.

Submissions (2):

Ambry Genetics
Classification: Uncertain significance. Last evaluated: 2024-10-07. Review status: criteria provided, single submitter. Criteria: Ambry Variant Classification Scheme 2023. Collection method: clinical testing. Allele origin: germline.

CeGaT Center for Human Genetics Tuebingen
Classification: Likely benign. Last evaluated: 2023-03-01. Review status: criteria provided, single submitter. Criteria: CeGaT Center For Human Genetics Tuebingen Variant Classification Criteria Version 2. Collection method: clinical testing. Allele origin: germline. Affected: yes. Observed: 1 variant allele.
Comment: APEX2: BP4, BS2